The following is an entry in ClinVar:

NM_014845.6(FIG4):c.776A>C (p.Lys259Thr)

Gene: FIG4 (FIG4 phosphoinositide 5-phosphatase; plus strand). Cytogenetic location: 6q21.
Variant type: single nucleotide variant.
Coding change: c.776A>C on transcript NM_014845.6 (MANE Select); coding-DNA position 776, A replaced by C.
Protein change: p.Lys259Thr; replaces lysine 259 with threonine.
Molecular consequence: missense variant.
Genome position (GRCh38, 1-based): chr6:109,741,444, A>C. VCF-style: chr6-109741444-A-C. GRCh37 (hg19) VCF-style: chr6-110062647-A-C.
Other names: short protein forms K259T.
Identifiers: ClinVar variation 1398042 (VCV001398042.29), dbSNP rs1045259801, ClinGen allele CA145136048.

ClinVar aggregate classification (germline): Uncertain significance. Review status: criteria provided, multiple submitters, no conflicts (2 of 4 stars). 2 submissions from 2 submitters: Uncertain significance (2). Last evaluated 2024-08-06.

Conditions:
Charcot-Marie-Tooth disease type 4. Also called: Charcot-Marie-Tooth disease, type IV; Charcot-Marie-Tooth, Type 4. Identifiers: Orphanet 64749, MedGen C4082197, MONDO:0018995.

Allele frequency attached by ClinVar (database versions not stated): gnomAD 0.00001; gnomAD exomes 0.00001; TOPMed 0.00001.
gnomAD v4.1: 15 of 1,600,014 alleles (0.00094%); highest among the groups gnomAD compares: Non-Finnish European, 0.0013%; no homozygotes.

Submissions (2):

Labcorp Genetics (formerly Invitae), Labcorp
Classification: Uncertain significance for Charcot-Marie-Tooth disease type 4. Last evaluated: 2024-08-06. Review status: criteria provided, single submitter. Criteria: Invitae Variant Classification Sherloc (09022015). Collection method: clinical testing. Allele origin: germline.
Comment: This sequence change replaces lysine, which is basic and polar, with threonine, which is neutral and polar, at codon 259 of the FIG4 protein (p.Lys259Thr). This variant is present in population databases (no rsID available, gnomAD 0.003%). This variant has not been reported in the literature in individuals affected with FIG4-related conditions. ClinVar contains an entry for this variant (Variation ID: 1398042). An algorithm developed to predict the effect of missense changes on protein structure and function (PolyPhen-2) suggests that this variant¬†is likely to be tolerated. In summary, the available evidence is currently insufficient to determine the role of this variant in disease. Therefore, it has been classified as a Variant of Uncertain Significance.

CeGaT Center for Human Genetics Tuebingen
Classification: Uncertain significance. Last evaluated: 2024-03-01. Review status: criteria provided, single submitter. Criteria: CeGaT Center For Human Genetics Tuebingen Variant Classification Criteria Version 2. Collection method: clinical testing. Allele origin: germline. Affected: yes. Observed: 2 variant alleles.
Comment: FIG4: PM2